The following is an entry in ClinVar:

ClinVar aggregate classification (germline): Uncertain significance (1 of 4 stars; one submission).

Allele frequency attached by ClinVar (database versions not stated): TOPMed below 0.00001; gnomAD 0.00001; gnomAD exomes 0.00001.
gnomAD v4.1: 17 of 1,606,964 alleles (0.0011%); highest among the groups gnomAD compares: Admixed American, 0.0017%; no homozygotes.

Submission:

Labcorp Genetics (formerly Invitae), Labcorp
Classification: Uncertain significance. Last evaluated: 2021-08-13. Review status: criteria provided, single submitter. Criteria: Invitae Variant Classification Sherloc (09022015). Collection method: clinical testing. Allele origin: germline.
Comment: This sequence change replaces arginine with lysine at codon 123 of the WHRN protein (p.Arg123Lys). The arginine residue is moderately conserved and there is a small physicochemical difference between arginine and lysine. This variant is not present in population databases (ExAC no frequency). This variant has not been reported in the literature in individuals affected with WHRN-related conditions. Algorithms developed to predict the effect of missense changes on protein structure and function (SIFT, PolyPhen-2, Align-GVGD) all suggest that this variant is likely to be tolerated. In summary, the available evidence is currently insufficient to determine the role of this variant in disease. Therefore, it has been classified as a Variant of Uncertain Significance.

NM_015404.4(WHRN):c.368G>A (p.Arg123Lys)

Gene: WHRN (whirlin; minus strand). Cytogenetic location: 9q32.
Variant type: single nucleotide variant.
Coding change: c.368G>A on transcript NM_015404.4 (MANE Select); coding-DNA position 368, G replaced by A.
Protein change: p.Arg123Lys; replaces arginine 123 with lysine.
Molecular consequence: missense variant.
Genome position (GRCh38, 1-based): chr9:114,504,434, C>T on the plus strand (G>A on the coding strand, the complement: WHRN is on the minus strand). VCF-style: chr9-114504434-C-T. GRCh37 (hg19) VCF-style: chr9-117266714-C-T.
Other names: c.368G>A, p.Arg123Lys (NM_001173425.2); short protein forms R123K.
Identifiers: ClinVar variation 967861 (VCV000967861.7), dbSNP rs1844213480, ClinGen allele CA374612567.
Genomic context (GRCh38, chr9:114,504,434, plus strand): 5'-AAACTCACCAGGCGCACCTCCCCTGGCCCCGCGCTGTCGGGGCCGCCCCAGGCGGGCTGC[C>T]TGTAGGGGGTGGTGGCGGGCAGGTAGAGGCCCTCGGCCGTGTATTGGTCGAAGAGCAGCT-3'
Protein context (NP_056219.3, residues 113-133): GLYLPATTPY[Arg123Lys]QPAWGGPDSA